The following is an entry in ClinVar:

ClinVar aggregate classification (germline): Likely benign (1 of 4 stars; one submission).

Conditions:
Sessile serrated polyposis cancer syndrome (SSPCS). Identifiers: Orphanet 157798, MedGen C4310714, MONDO:0014919, OMIM 617108.

gnomAD v4.1: 9 of 1,484,772 alleles (0.00061%); highest among the groups gnomAD compares: Non-Finnish European, 0.0008%; no homozygotes.

Submission:

Myriad Genetics, Inc.
Classification: Likely benign for Sessile serrated polyposis cancer syndrome. Last evaluated: 2026-06-26. Review status: criteria provided, single submitter. Criteria: Myriad Autosomal Dominant, Autosomal Recessive and X-Linked Classification Criteria (2023). Collection method: clinical testing. Allele origin: unknown.
Comment: This variant is considered likely benign. This variant is intronic and is not expected to impact mRNA splicing.

NM_017763.6(RNF43):c.953-6T>C

Gene: RNF43 (ring finger protein 43; minus strand). Cytogenetic location: 17q22.
Variant type: single nucleotide variant.
Coding change: c.953-6T>C on transcript NM_017763.6 (MANE Select); 6 bases into the intron before coding-DNA position 953, T replaced by C.
Molecular consequence: intron variant.
Genome position (GRCh38, 1-based): chr17:58,358,829, A>G on the plus strand (T>C on the coding strand, the complement: RNF43 is on the minus strand). VCF-style: chr17-58358829-A-G. GRCh37 (hg19) VCF-style: chr17-56436190-A-G.
Other names: c.953-6T>C (NM_001438822.1, NM_001305544.3, NM_001438820.1 and 1 more transcripts); c.572-6T>C (NM_001305545.2, NM_001437987.1).
Identifiers: ClinVar variation 4875716 (VCV004875716.1).